The following is an entry in ClinVar:

NM_001330078.2(NRXN1):c.261C>A (p.Gly87=)

Gene: NRXN1 (neurexin 1; minus strand). Cytogenetic location: 2p16.3.
Variant type: single nucleotide variant.
Coding change: c.261C>A on transcript NM_001330078.2 (MANE Select); coding-DNA position 261, C replaced by A.
Protein change: p.Gly87=; no amino-acid change (glycine 87 retained).
Molecular consequence: synonymous variant.
Genome position (GRCh38, 1-based): chr2:51,028,013, G>T on the plus strand (C>A on the coding strand, the complement: NRXN1 is on the minus strand). VCF-style: chr2-51028013-G-T. GRCh37 (hg19) VCF-style: chr2-51255151-G-T.
Other names: p.G87G:GGC>GGA; c.261C>A, p.Gly87= (NM_001135659.3, NM_001330077.2, NM_001330079.2 and 15 more transcripts).
Identifiers: ClinVar variation 138555 (VCV000138555.13), dbSNP rs587781102, ClinGen allele CA292602.
Genomic context (GRCh38, chr2:51,028,013, plus strand): 5'-CGTGTCGGCCAGGAGCGTCGCAGGCTCAGCGCAGAAGATGGAGAAGCTGAGCTGCAGGCG[G>T]CCGCCGCGCGTCAGAATCAGCTCCAGGAAGTCGCAGAAGCCCTCGTCGTCGAAGTAGAGC-3'
Protein context (NP_001317007.1, residues 77-97): DFLELILTRG[Gly87=]RLQLSFSIFC

ClinVar aggregate classification (germline): Benign/Likely benign. Review status: criteria provided, multiple submitters, no conflicts (2 of 4 stars). 2 submissions from 2 submitters: Benign (1); Likely benign (1). Last evaluated 2026-01-13.

Conditions:
Pitt-Hopkins-like syndrome 2 (PTHSL2). Identifiers: Orphanet 221150, Orphanet 600663, MedGen C3280479, MONDO:0013690, OMIM 614325.

Allele frequency attached by ClinVar (database versions not stated): gnomAD 0.00003; TOPMed 0.00004.
gnomAD v4.1: 11 of 1,599,214 alleles (0.00069%); highest among the groups gnomAD compares: Admixed American, 0.005%; no homozygotes.

Submissions (2):

Labcorp Genetics (formerly Invitae), Labcorp
Classification: Likely benign for Pitt-Hopkins-like syndrome 2. Last evaluated: 2026-01-13. Review status: criteria provided, single submitter. Criteria: Invitae Variant Classification Sherloc (09022015). Collection method: clinical testing. Allele origin: germline.

GeneDx
Classification: Benign. Last evaluated: 2013-10-07. Review status: criteria provided, single submitter. Criteria: GeneDx Variant Classification (06012015). Collection method: clinical testing. Allele origin: germline. Affected: yes.
Comment: This variant is considered likely benign or benign based on one or more of the following criteria: it is a conservative change, it occurs at a poorly conserved position in the protein, it is predicted to be benign by multiple in silico algorithms, and/or has population frequency not consistent with disease.